The following is an entry in ClinVar:

NM_001036.6(RYR3):c.11164+1G>A

Gene: RYR3 (ryanodine receptor 3; plus strand). Cytogenetic location: 15q14.
Variant type: single nucleotide variant.
Coding change: c.11164+1G>A on transcript NM_001036.6 (MANE Select); the canonical splice donor site of the intron after coding-DNA position 11164, G replaced by A.
Molecular consequence: splice donor variant.
Genome position (GRCh38, 1-based): chr15:33,826,270, G>A. VCF-style: chr15-33826270-G-A. GRCh37 (hg19) VCF-style: chr15-34118471-G-A.
Other names: IVS83DS, G-A, +1; c.11149+1G>A (NM_001243996.4).
Identifiers: ClinVar variation 653564 (VCV000653564.11), dbSNP rs549279246, ClinGen allele CA7461161.
Genomic context (GRCh38, chr15:33,826,270, plus strand): 5'-GTTTTCTTACTTTCTATTCTTCTGTTTTTCTCTCATTACCAGTCATTGTTCGGGAACGTG[G>A]TAAGTTTCAGTTTCTGGCCTGAGTTCCTACCGTGTGTGAATCCTAGGAGATCTCATTTAA-3'

ClinVar aggregate classification (germline): Uncertain significance. Review status: criteria provided, single submitter (1 of 4 stars). 3 submissions from 3 submitters: Uncertain significance (1). 2 of the submissions do not count toward it. Last evaluated 2019-04-23.

Conditions:
Congenital myopathy 20 (CMYO20). Identifiers: MedGen C5830393, MONDO:0957215, OMIM 620310.
Epileptic encephalopathy. Identifiers: MedGen C0543888, HP:0200134.
Flexion contracture. Also called: Contractures; Flexion deformity; Contracture. Identifiers: MedGen C0333068, HP:0001371.

gnomAD v4.1: 4 of 1,613,784 alleles (0.00025%); highest among the groups gnomAD compares: Admixed American, 0.005%; no homozygotes.

Submissions (3):

Labcorp Genetics (formerly Invitae), Labcorp
Classification: Uncertain significance for Epileptic encephalopathy. Last evaluated: 2019-04-23. Review status: criteria provided, single submitter. Criteria: Invitae Variant Classification Sherloc (09022015). Collection method: clinical testing. Allele origin: germline.
Comment: This variant has not been reported in the literature in individuals with RYR3-related disease. This sequence change affects a donor splice site in intron 83 of the RYR3 gene. It is expected to disrupt RNA splicing and likely results in an absent or disrupted protein product. This variant is present in population databases (rs549279246, ExAC 0.009%). Algorithms developed to predict the effect of sequence changes on RNA splicing suggest that this variant may disrupt the consensus splice site, but this prediction has not been confirmed by published transcriptional studies. The current clinical and genetic evidence is not sufficient to establish whether loss-of-function variants in RYR3 cause disease. In summary, the available evidence is currently insufficient to determine the role of this variant in disease. Therefore, it has been classified as a Variant of Uncertain Significance.

OMIM
Classification: Pathogenic for CONGENITAL MYOPATHY 20. Last evaluated: 2024-07-16. Review status: no assertion criteria provided. Collection method: literature only. Allele origin: germline. Not counted in ClinVar's aggregate classification.

Lupski Lab, Baylor-Hopkins CMG, Baylor College of Medicine
Classification: Uncertain significance for Flexion contracture. Review status: no assertion criteria provided. Collection method: research. Allele origin: inherited. Inheritance: Autosomal recessive inheritance. Affected: yes. Observed: 2 variant alleles, 1 heterozygote, 1 compound heterozygote. Not counted in ClinVar's aggregate classification.

Literature cited by the submitters: PubMed 31230720 (cited by OMIM).